The following is an entry in ClinVar:

NM_018180.3(DHX32):c.1656G>C (p.Lys552Asn)

Genes: BCCIP (BRCA2 and CDKN1A interacting protein; plus strand), DHX32 (DEAH-box helicase 32 (putative); minus strand). Cytogenetic location: 10q26.2.
Variant type: single nucleotide variant.
Coding change: c.1656G>C on transcript NM_018180.3 (MANE Select); coding-DNA position 1656, G replaced by C.
Protein change: p.Lys552Asn; replaces lysine 552 with asparagine.
Molecular consequence: missense variant. On other transcripts: intron variant (2).
Genome position (GRCh38, 1-based): chr10:125,840,884, C>G on the plus strand (G>C on the coding strand, the complement: DHX32 is on the minus strand). VCF-style: chr10-125840884-C-G. GRCh37 (hg19) VCF-style: chr10-127529453-C-G.
Other names: c.775-371C>G (NM_016567.4, NM_078469.3); short protein forms K552N.
Identifiers: ClinVar variation 4704383 (VCV004704383.1).

ClinVar aggregate classification (germline): Uncertain significance (1 of 4 stars; one submission).

Submission:

Labcorp Genetics (formerly Invitae), Labcorp
Classification: Uncertain significance. Last evaluated: 2026-01-12. Review status: criteria provided, single submitter. Criteria: Invitae Variant Classification Sherloc (09022015). Collection method: clinical testing. Allele origin: germline.
Comment: This sequence change replaces lysine, which is basic and polar, with asparagine, which is neutral and polar, at codon 552 of the DHX32 protein (p.Lys552Asn). This variant is not present in population databases (gnomAD no frequency). This variant has not been reported in the literature in individuals affected with DHX32-related conditions. An algorithm developed to predict the effect of missense changes on protein structure and function outputs the following: PolyPhen-2: "Benign". The asparagine amino acid residue is found in multiple mammalian species, which suggests that this missense change does not adversely affect protein function. In summary, the available evidence is currently insufficient to determine the role of this variant in disease. Therefore, it has been classified as a Variant of Uncertain Significance.